The following is an entry in ClinVar:

NM_003673.4(TCAP):c.328C>G (p.Pro110Ala)

Gene: TCAP (titin-cap; plus strand). Cytogenetic location: 17q12.
Variant type: single nucleotide variant.
Coding change: c.328C>G on transcript NM_003673.4 (MANE Select); coding-DNA position 328, C replaced by G.
Protein change: p.Pro110Ala; replaces proline 110 with alanine.
Molecular consequence: missense variant.
Genome position (GRCh38, 1-based): chr17:39,665,933, C>G. VCF-style: chr17-39665933-C-G. GRCh37 (hg19) VCF-style: chr17-37822186-C-G.
Other names: short protein forms P110A.
Identifiers: ClinVar variation 3762082 (VCV003762082.2).

ClinVar aggregate classification (germline): Uncertain significance (1 of 4 stars; one submission).

Conditions:
Hypertrophic cardiomyopathy 25 (CMH25). Also called: CARDIOMYOPATHY, FAMILIAL HYPERTROPHIC, 25. Identifiers: MedGen C4225408, MONDO:0011843, OMIM 607487.
Primary familial hypertrophic cardiomyopathy (HCM). Identifiers: Orphanet 99739, MedGen C0949658, MeSH D024741, MONDO:0024573. Inheritance: Various modes of inheritance.

Submission:

Labcorp Genetics (formerly Invitae), Labcorp
Classification: Uncertain significance for Hypertrophic cardiomyopathy 25; Primary familial hypertrophic cardiomyopathy. Last evaluated: 2024-05-27. Review status: criteria provided, single submitter. Criteria: Invitae Variant Classification Sherloc (09022015). Collection method: clinical testing. Allele origin: germline.
Comment: This sequence change replaces proline, which is neutral and non-polar, with alanine, which is neutral and non-polar, at codon 110 of the TCAP protein (p.Pro110Ala). This variant is not present in population databases (gnomAD no frequency). This variant has not been reported in the literature in individuals affected with TCAP-related conditions. An algorithm developed to predict the effect of missense changes on protein structure and function (PolyPhen-2) suggests that this variant is likely to be disruptive. In summary, the available evidence is currently insufficient to determine the role of this variant in disease. Therefore, it has been classified as a Variant of Uncertain Significance.